The following is an entry in ClinVar:

NM_015208.5(ANKRD12):c.4312A>G (p.Asn1438Asp)

Gene: ANKRD12 (ankyrin repeat domain 12; plus strand). Cytogenetic location: 18p11.22.
Variant type: single nucleotide variant.
Coding change: c.4312A>G on transcript NM_015208.5 (MANE Select); coding-DNA position 4312, A replaced by G.
Protein change: p.Asn1438Asp; replaces asparagine 1438 with aspartic acid.
Molecular consequence: missense variant.
Genome position (GRCh38, 1-based): chr18:9,257,579, A>G. VCF-style: chr18-9257579-A-G. GRCh37 (hg19) VCF-style: chr18-9257577-A-G.
Other names: c.4243A>G, p.Asn1415Asp (NM_001083625.3, NM_001204056.1); short protein forms N1415D, N1438D.
Identifiers: ClinVar variation 3047967 (VCV003047967.2), dbSNP rs141465808, ClinGen allele CA8888232.

ClinVar aggregate classification (germline): Likely benign (0 of 4 stars; one submission).

Conditions:
ANKRD12-related disorder. Also called: ANKRD12-related condition.

Allele frequency attached by ClinVar (database versions not stated): ExAC 0.00040; gnomAD 0.00138; ESP Exome Variant Server 0.00146; TOPMed 0.00147; 1000 Genomes Project 0.00160; 1000 Genomes Project 30x 0.00203.
gnomAD v4.1: 410 of 1,614,062 alleles (0.025%); highest among the groups gnomAD compares: African/African-American, 0.47%; 2 homozygotes.

Submission:

PreventionGenetics, part of Exact Sciences
Classification: Likely benign for ANKRD12-related condition. Last evaluated: 2022-05-31. Review status: no assertion criteria provided. Collection method: clinical testing. Allele origin: germline.
Comment: This variant is classified as likely benign based on ACMG/AMP sequence variant interpretation guidelines (Richards et al. 2015 PMID: 25741868, with internal and published modifications).